The following is an entry in ClinVar:

ClinVar aggregate classification (germline): Pathogenic (1 of 4 stars; one submission).

Conditions:
Hypodontia. Also called: Partial congenital absence of teeth; TOOTH AGENESIS, FAMILIAL; Tooth agenesis, selective. Identifiers: Orphanet 99798, MedGen C0020608, MONDO:0005486, HP:0000668. Disease mechanism: loss of function.

Submission:

Labcorp Genetics (formerly Invitae), Labcorp
Classification: Pathogenic for Hypodontia. Last evaluated: 2024-07-20. Review status: criteria provided, single submitter. Criteria: Invitae Variant Classification Sherloc (09022015). Collection method: clinical testing. Allele origin: germline.
Comment: This sequence change creates a premature translational stop signal (p.Lys85Serfs*34) in the PAX9 gene. It is expected to result in an absent or disrupted protein product. Loss-of-function variants in PAX9 are known to be pathogenic (PMID: 14607846, 16236760, 16479262). This variant is not present in population databases (gnomAD no frequency). This variant has not been reported in the literature in individuals affected with PAX9-related conditions. For these reasons, this variant has been classified as Pathogenic.

Literature cited by the submitters: PubMed 14607846; PubMed 16236760; PubMed 16479262.

NM_001372076.1(PAX9):c.253_259del (p.Lys85fs)

Gene: PAX9 (paired box 9; plus strand). Cytogenetic location: 14q13.3.
Variant type: Deletion.
Coding change: c.253_259del on transcript NM_001372076.1 (MANE Select); coding-DNA positions 253 to 259, 7 bases deleted (AAACACA; older notation c.253_259delAAACACA).
Protein change: p.Lys85fs; shifts the reading frame from lysine 85.
Molecular consequence: frameshift variant.
Genome position (GRCh38, 1-based): chr14:36,663,145-36,663,151, AAACACA deleted. VCF-style (leftmost placement, unchanged base first): chr14-36663144-GAAACACA-G. GRCh37 (hg19) VCF-style: chr14-37132349-GAAACACA-G.
Other names: c.253_259del, p.Lys85fs (NM_006194.4); short protein forms K85fs.
Identifiers: ClinVar variation 3660010 (VCV003660010.2).